The following is an entry in ClinVar:

ClinVar aggregate classification (germline): Uncertain significance (1 of 4 stars; one submission).

Submission:

Labcorp Genetics (formerly Invitae), Labcorp
Classification: Uncertain significance. Last evaluated: 2022-07-26. Review status: criteria provided, single submitter. Criteria: Invitae Variant Classification Sherloc (09022015). Collection method: clinical testing. Allele origin: germline.
Comment: This sequence change replaces glutamine, which is neutral and polar, with lysine, which is basic and polar, at codon 319 of the TSFM protein (p.Gln319Lys). This variant is not present in population databases (gnomAD no frequency). This variant has not been reported in the literature in individuals affected with TSFM-related conditions. ClinVar contains an entry for this variant (Variation ID: 1383449). Algorithms developed to predict the effect of missense changes on protein structure and function are either unavailable or do not agree on the potential impact of this missense change (SIFT: "Deleterious"; PolyPhen-2: "Possibly Damaging"; Align-GVGD: "Class C0"). In summary, the available evidence is currently insufficient to determine the role of this variant in disease. Therefore, it has been classified as a Variant of Uncertain Significance.

NM_005726.6(TSFM):c.892C>A (p.Gln298Lys)

Gene: TSFM (Ts translation elongation factor, mitochondrial; plus strand). Cytogenetic location: 12q14.1.
Variant type: single nucleotide variant.
Coding change: c.892C>A on transcript NM_005726.6 (MANE Select); coding-DNA position 892, C replaced by A.
Protein change: p.Gln298Lys; replaces glutamine 298 with lysine.
Molecular consequence: missense variant. On other transcripts: 3 prime UTR variant (1), intron variant (1).
Genome position (GRCh38, 1-based): chr12:57,796,497, C>A. VCF-style: chr12-57796497-C-A. GRCh37 (hg19) VCF-style: chr12-58190280-C-A.
Other names: c.*300C>A (NM_001172695.2); c.955C>A, p.Gln319Lys (NM_001172696.2); c.571+3424C>A (NM_001172697.2); short protein forms Q298K, Q319K.
Identifiers: ClinVar variation 1383449 (VCV001383449.5), dbSNP rs2140429309, ClinGen allele CA385531974.
Genomic context (GRCh38, chr12:57,796,497, plus strand): 5'-GAGGCAGAGACTAAGATGCTGTCCCAGCCGTATTTGCTGGATCCCTCCATTACCTTGGGG[C>A]AGTATGTGCAGCCTCAGGGGGTGTCGGTAGTAGACTTTGTGCGGTTTGAATGTGGAGAAG-3'
Protein context (NP_005717.3, residues 288-308): YLLDPSITLG[Gln298Lys]YVQPQGVSVV